The following is an entry in ClinVar:

ClinVar aggregate classification (germline): Conflicting classifications of pathogenicity. Review status: criteria provided, conflicting classifications (1 of 4 stars). 3 submissions from 3 submitters: Uncertain significance (2); Benign (1). Last evaluated 2025-05-05.

Conditions:
Inborn genetic diseases. Identifiers: MedGen C0950123, MeSH D030342.

Allele frequency attached by ClinVar (database versions not stated): gnomAD 0.00003; gnomAD exomes 0.00003; ExAC 0.00004; TOPMed 0.00004.
gnomAD v4.1: 43 of 1,568,398 alleles (0.0027%); highest among the groups gnomAD compares: East Asian, 0.091%; no homozygotes.

Submissions (3):

Ambry Genetics
Classification: Uncertain significance for Inborn genetic diseases. Last evaluated: 2025-05-05. Review status: criteria provided, single submitter. Criteria: Ambry Variant Classification Scheme 2023. Collection method: clinical testing. Allele origin: germline.

Blueprint Genetics
Classification: Benign. Last evaluated: 2024-02-13. Review status: criteria provided, single submitter. Criteria: ACMG Guidelines, 2015. Collection method: clinical testing. Allele origin: germline.

Labcorp Genetics (formerly Invitae), Labcorp
Classification: Uncertain significance. Last evaluated: 2023-11-19. Review status: criteria provided, single submitter. Criteria: Invitae Variant Classification Sherloc (09022015). Collection method: clinical testing. Allele origin: germline.
Comment: This sequence change replaces alanine, which is neutral and non-polar, with valine, which is neutral and non-polar, at codon 114 of the ARHGEF18 protein (p.Ala114Val). This variant is present in population databases (rs754427062, gnomAD 0.1%). This variant has not been reported in the literature in individuals affected with ARHGEF18-related conditions. An algorithm developed to predict the effect of missense changes on protein structure and function (PolyPhen-2) suggests that this variant¬†is likely to be tolerated. In summary, the available evidence is currently insufficient to determine the role of this variant in disease. Therefore, it has been classified as a Variant of Uncertain Significance.

NM_001367823.1(ARHGEF18):c.968-63C>T

Gene: ARHGEF18 (Rho/Rac guanine nucleotide exchange factor 18; plus strand). Cytogenetic location: 19p13.2.
Variant type: single nucleotide variant.
Coding change: c.968-63C>T on transcript NM_001367823.1 (MANE Select); 63 bases into the intron before coding-DNA position 968, C replaced by T.
Molecular consequence: intron variant. On other transcripts: missense variant (1), 5 prime UTR variant (1).
Genome position (GRCh38, 1-based): chr19:7,440,281, C>T. VCF-style: chr19-7440281-C-T. GRCh37 (hg19) VCF-style: chr19-7505167-C-T.
Other names: c.179C>T, p.Ala60Val (NM_001130955.2); c.-134C>T (NM_001367824.1); c.-71-63C>T (NM_015318.4); c.341C>T (NM_001130955.1); short protein forms A60V.
Identifiers: ClinVar variation 2884824 (VCV002884824.3), dbSNP rs754427062, ClinGen allele CA9136294.